The following is an entry in ClinVar:

ClinVar aggregate classification (germline): Pathogenic/Likely pathogenic. Review status: criteria provided, multiple submitters, no conflicts (2 of 4 stars). 4 submissions from 4 submitters: Pathogenic (1); Likely pathogenic (2). 1 of the submissions does not count toward it. Last evaluated 2025-05-19.

Conditions:
Retinitis pigmentosa (RP). Identifiers: Orphanet 791, MedGen C0035334, MeSH D012174, MONDO:0019200, OMIM 268000. Inheritance: Autosomal dominant, autosomal recessive and X linked inheritance.
RP1L1-related disorder. Also called: RP1L1-related condition.
Retinitis pigmentosa 88. Identifiers: MedGen C5394208, MONDO:0032940, OMIM 618826.

gnomAD v4.1: 63 of 1,612,098 alleles (0.0039%); highest among the groups gnomAD compares: South Asian, 0.061%; 1 homozygote.

Submissions (4):

First Genomix Gene Laboratory, Genetic Diagnostics Department
Classification: Likely pathogenic for Retinitis pigmentosa 88. Last evaluated: 2025-05-19. Review status: criteria provided, single submitter. Criteria: ACMG Guidelines, 2015. Collection method: clinical testing. Allele origin: germline. Inheritance: Autosomal recessive inheritance. Affected: no. Observed: 1 variant allele.

Lab De Baere, Eye and Developmental Genetics Lab, Ghent University
Classification: Likely pathogenic for Retinitis pigmentosa. Last evaluated: 2024-10-01. Review status: criteria provided, single submitter. Criteria: ACMG Guidelines, 2015. Collection method: research. Allele origin: inherited. Affected: yes. Observed: 1 variant allele.
Comment: ACMG/AMP guidelines: PP5, PVS1_PS2, PP1, PM3_2

Blueprint Genetics
Classification: Pathogenic for RP1L1-related disorders. Last evaluated: 2023-05-09. Review status: criteria provided, single submitter. Criteria: ACMG Guidelines, 2015. Collection method: clinical testing. Allele origin: germline. Affected: yes. Observed: 5 variant alleles.

PreventionGenetics, part of Exact Sciences
Classification: Likely pathogenic for RP1L1-related condition. Last evaluated: 2024-09-18. Review status: no assertion criteria provided. Collection method: clinical testing. Allele origin: germline. Not counted in ClinVar's aggregate classification.
Comment: The RP1L1 c.1270A>T variant is predicted to result in premature protein termination (p.Lys424*). This variant has been reported in the homozygous state in an individual with retinitis pigmentosa (Bryant et al. 2018. PubMed ID: 29343940). This variant is reported in 0.049% of alleles in individuals of South Asian descent in gnomAD. Nonsense variants in RP1L1, even in the terminal exon, are expected to be pathogenic. This variant is interpreted as likely pathogenic.

NM_178857.6(RP1L1):c.1270A>T (p.Lys424Ter)

Gene: RP1L1 (RP1 like 1). Cytogenetic location: 8p23.1.
Variant type: single nucleotide variant.
Coding change: c.1270A>T on transcript NM_178857.6 (MANE Select); coding-DNA position 1270, A replaced by T.
Protein change: p.Lys424Ter; replaces lysine 424 with a stop codon.
Molecular consequence: nonsense.
Genome position (GRCh38, 1-based): chr8:10,612,828, T>A on the plus strand (A>T on the coding strand, the complement: RP1L1 is on the minus strand). VCF-style: chr8-10612828-T-A. GRCh37 (hg19) VCF-style: chr8-10470338-T-A.
Other names: short protein forms K424*.
Identifiers: ClinVar variation 3355449 (VCV003355449.4).
Genomic context (GRCh38, chr8:10,612,828, plus strand): 5'-CGGCAGTCCCGTGGCCCCACAGGCCACTGCAGCGGACGTGCTGGGCCAGTCCCCACCTCT[T>A]CCGAGCTGCCACTCTCTCTCCCTGGGAGGCATGCAGGGGATTCGTCCAGATTTCATACTT-3'